The following is an entry in ClinVar:

ClinVar aggregate classification (germline): Benign. Review status: criteria provided, multiple submitters, no conflicts (2 of 4 stars). 4 submissions from 4 submitters: Benign (3). 1 of the submissions does not count toward it. Last evaluated 2026-09-01.

Conditions:
LAMA5-related disorder. Also called: LAMA5-related condition; LAMA5-Related Disorders.

Allele frequency attached by ClinVar (database versions not stated): ESP Exome Variant Server 0.00023; 1000 Genomes Project 0.00240; 1000 Genomes Project 30x 0.00250.
gnomAD v4.1: 1,467 of 1,611,080 alleles (0.091%); highest among the groups gnomAD compares: South Asian, 1.1%; 23 homozygotes.

Submissions (4):

CeGaT Center for Human Genetics Tuebingen
Classification: Benign. Last evaluated: 2026-09-01. Review status: criteria provided, single submitter. Criteria: CeGaT Center For Human Genetics Tuebingen Variant Classification Criteria Version 2. Collection method: clinical testing. Allele origin: germline. Affected: yes. Observed: 3 variant alleles.
Comment: LAMA5: BS1, BS2

Labcorp Genetics (formerly Invitae), Labcorp
Classification: Benign. Last evaluated: 2026-01-23. Review status: criteria provided, single submitter. Criteria: Invitae Variant Classification Sherloc (09022015). Collection method: clinical testing. Allele origin: germline.

Breakthrough Genomics
Classification: Benign. Review status: criteria provided, single submitter. Criteria: ACMG Guidelines, 2015. Collection method: not provided. Allele origin: germline. Inheritance: Autosomal recessive inheritance. Affected: yes.

PreventionGenetics, part of Exact Sciences
Classification: Benign for LAMA5-related condition. Last evaluated: 2020-01-10. Review status: no assertion criteria provided. Collection method: clinical testing. Allele origin: germline. Not counted in ClinVar's aggregate classification.
Comment: This variant is classified as benign based on ACMG/AMP sequence variant interpretation guidelines (Richards et al. 2015 PMID: 25741868, with internal and published modifications).

NM_005560.6(LAMA5):c.9826G>A (p.Val3276Ile)

Gene: LAMA5 (laminin subunit alpha 5; minus strand). Cytogenetic location: 20q13.33.
Variant type: single nucleotide variant.
Coding change: c.9826G>A on transcript NM_005560.6 (MANE Select); coding-DNA position 9826, G replaced by A.
Protein change: p.Val3276Ile; replaces valine 3276 with isoleucine.
Molecular consequence: missense variant.
Genome position (GRCh38, 1-based): chr20:62,311,517, C>T on the plus strand (G>A on the coding strand, the complement: LAMA5 is on the minus strand). VCF-style: chr20-62311517-C-T. GRCh37 (hg19) VCF-style: chr20-60886573-C-T.
Other names: c.9826G>A (NM_005560.4); short protein forms V3276I.
Identifiers: ClinVar variation 1649602 (VCV001649602.24), dbSNP rs199737407, ClinGen allele CA9940027.